The following is an entry in ClinVar:

NM_001197104.2(KMT2A):c.9409G>A (p.Gly3137Arg)

Gene: KMT2A (lysine methyltransferase 2A; plus strand). Cytogenetic location: 11q23.3.
Variant type: single nucleotide variant.
Coding change: c.9409G>A on transcript NM_001197104.2 (MANE Select); coding-DNA position 9409, G replaced by A.
Protein change: p.Gly3137Arg; replaces glycine 3137 with arginine.
Molecular consequence: missense variant.
Genome position (GRCh38, 1-based): chr11:118,505,301, G>A. VCF-style: chr11-118505301-G-A. GRCh37 (hg19) VCF-style: chr11-118376016-G-A.
Other names: c.9400G>A, p.Gly3134Arg (NM_005933.4); short protein forms G3137R, G3134R.
Identifiers: ClinVar variation 1488447 (VCV001488447.30), dbSNP rs782373344, ClinGen allele CA6304593.
Genomic context (GRCh38, chr11:118,505,301, plus strand): 5'-GTGATGGAGACAAATACTTCAGTATTGGGACCCATGGGAGGTGGTCTCACCCTTACCACA[G>A]GACTAAATCCAAGCTTGCCAACTTCTCAATCTTTGTTCCCTTCTGCTAGCAAAGGATTGC-3'
Protein context (NP_001184033.1, residues 3127-3147): PMGGGLTLTT[Gly3137Arg]LNPSLPTSQS

ClinVar aggregate classification (germline): Conflicting classifications of pathogenicity. Review status: criteria provided, conflicting classifications (1 of 4 stars). 2 submissions from 2 submitters: Uncertain significance (1); Likely benign (1). Last evaluated 2024-10-01.

Allele frequency attached by ClinVar (database versions not stated): gnomAD exomes below 0.00001 and 0.00003; TOPMed below 0.00001; ExAC 0.00001; gnomAD 0.00001.
gnomAD v4.1: 43 of 1,614,058 alleles (0.0027%); highest among the groups gnomAD compares: Non-Finnish European, 0.0032%; no homozygotes.

Submissions (2):

CeGaT Center for Human Genetics Tuebingen
Classification: Likely benign. Last evaluated: 2024-10-01. Review status: criteria provided, single submitter. Criteria: CeGaT Center For Human Genetics Tuebingen Variant Classification Criteria Version 2. Collection method: clinical testing. Allele origin: germline. Affected: yes. Observed: 2 variant alleles.
Comment: KMT2A: BS2

Labcorp Genetics (formerly Invitae), Labcorp
Classification: Uncertain significance. Last evaluated: 2020-12-13. Review status: criteria provided, single submitter. Criteria: Invitae Variant Classification Sherloc (09022015). Collection method: clinical testing. Allele origin: germline.
Comment: In summary, the available evidence is currently insufficient to determine the role of this variant in disease. Therefore, it has been classified as a Variant of Uncertain Significance. Advanced modeling of protein sequence and biophysical properties (such as structural, functional, and spatial information, amino acid conservation, physicochemical variation, residue mobility, and thermodynamic stability) performed at Invitae indicates that this missense variant is expected to disrupt KMT2A protein function. This variant has not been reported in the literature in individuals with KMT2A-related conditions. This variant is present in population databases (rs782373344, ExAC 0.002%). This sequence change replaces glycine with arginine at codon 3137 of the KMT2A protein (p.Gly3137Arg). The glycine residue is moderately conserved and there is a moderate physicochemical difference between glycine and arginine.